The following is an entry in ClinVar:

ClinVar aggregate classification (germline): Likely benign. Review status: criteria provided, multiple submitters, no conflicts (2 of 4 stars). 3 submissions from 3 submitters: Likely benign (2). 1 of the submissions does not count toward it. Last evaluated 2025-11-15.

Conditions:
Nephronophthisis 14 (NPHP14). Identifiers: Orphanet 2318, MedGen C3539071, MONDO:0013916, OMIM 614844.
ZNF423-related disorder. Also called: ZNF423-related condition.

Allele frequency attached by ClinVar (database versions not stated): ESP Exome Variant Server 0.00008; ExAC 0.00002; gnomAD exomes 0.00002 and 0.00004; gnomAD 0.00005 and 0.00006; TOPMed 0.00005.
gnomAD v4.1: 73 of 1,613,936 alleles (0.0045%); highest among the groups gnomAD compares: Non-Finnish European, 0.0057%; no homozygotes.

Submissions (3):

Labcorp Genetics (formerly Invitae), Labcorp
Classification: Likely benign for Nephronophthisis 14. Last evaluated: 2025-11-15. Review status: criteria provided, single submitter. Criteria: Invitae Variant Classification Sherloc (09022015). Collection method: clinical testing. Allele origin: germline.

Blueprint Genetics
Classification: Likely benign. Last evaluated: 2021-01-20. Review status: criteria provided, single submitter. Criteria: ACMG Guidelines, 2015. Collection method: clinical testing. Allele origin: germline.

PreventionGenetics, part of Exact Sciences
Classification: Likely benign for ZNF423-related condition. Last evaluated: 2024-09-26. Review status: no assertion criteria provided. Collection method: clinical testing. Allele origin: germline. Not counted in ClinVar's aggregate classification.
Comment: This variant is classified as likely benign based on ACMG/AMP sequence variant interpretation guidelines (Richards et al. 2015 PMID: 25741868, with internal and published modifications).

NM_001379286.1(ZNF423):c.3690C>T (p.Phe1230=)

Gene: ZNF423 (zinc finger protein 423; minus strand). Cytogenetic location: 16q12.1.
Variant type: single nucleotide variant.
Coding change: c.3690C>T on transcript NM_001379286.1 (MANE Select); coding-DNA position 3690, C replaced by T.
Protein change: p.Phe1230=; no amino-acid change (phenylalanine 1230 retained).
Molecular consequence: synonymous variant.
Genome position (GRCh38, 1-based): chr16:49,525,406, G>A on the plus strand (C>T on the coding strand, the complement: ZNF423 is on the minus strand). VCF-style: chr16-49525406-G-A. GRCh37 (hg19) VCF-style: chr16-49559317-G-A.
Other names: c.3486C>T, p.Phe1162= (NM_001271620.2); c.3315C>T, p.Phe1105= (NM_001330533.2); c.3666C>T, p.Phe1222= (NM_015069.5); c.3666C>T (NM_015069.4).
Identifiers: ClinVar variation 794857 (VCV000794857.12), dbSNP rs371710780, ClinGen allele CA8046230.